The following is an entry in ClinVar:

ClinVar aggregate classification (germline): Uncertain significance (1 of 4 stars; one submission).

Conditions:
Hypertrophic cardiomyopathy. Also called: HYPERTROPHIC MYOCARDIOPATHY. Identifiers: Orphanet 217569, MedGen C0007194, MeSH D002312, MONDO:0005045, HP:0001639.

Submission:

Labcorp Genetics (formerly Invitae), Labcorp
Classification: Uncertain significance for Hypertrophic cardiomyopathy. Last evaluated: 2025-02-05. Review status: criteria provided, single submitter. Criteria: Invitae Variant Classification Sherloc (09022015). Collection method: clinical testing. Allele origin: germline.
Comment: This sequence change replaces proline, which is neutral and non-polar, with glutamine, which is neutral and polar, at codon 33 of the TNNI3 protein (p.Pro33Gln). This variant is not present in population databases (gnomAD no frequency). This variant has not been reported in the literature in individuals affected with TNNI3-related conditions. ClinVar contains an entry for this variant (Variation ID: 1062618). An algorithm developed to predict the effect of missense changes on protein structure and function (PolyPhen-2) suggests that this variant is likely to be disruptive. In summary, the available evidence is currently insufficient to determine the role of this variant in disease. Therefore, it has been classified as a Variant of Uncertain Significance.

NM_000363.5(TNNI3):c.98C>A (p.Pro33Gln)

Gene: TNNI3 (troponin I3, cardiac type; minus strand). Cytogenetic location: 19q13.42.
Variant type: single nucleotide variant.
Coding change: c.98C>A on transcript NM_000363.5 (MANE Select); coding-DNA position 98, C replaced by A.
Protein change: p.Pro33Gln; replaces proline 33 with glutamine.
Molecular consequence: missense variant.
Genome position (GRCh38, 1-based): chr19:55,157,060, G>T on the plus strand (C>A on the coding strand, the complement: TNNI3 is on the minus strand). VCF-style: chr19-55157060-G-T. GRCh37 (hg19) VCF-style: chr19-55668428-G-T.
Other names: short protein forms P33Q.
Identifiers: ClinVar variation 1062618 (VCV001062618.9), dbSNP rs2147285907, ClinGen allele CA407442876.